The following is an entry in ClinVar:

ClinVar aggregate classification (germline): Uncertain significance. Review status: criteria provided, multiple submitters, no conflicts (2 of 4 stars). 2 submissions from 2 submitters: Uncertain significance (2). Last evaluated 2024-07-31.

Conditions:
Autosomal dominant epilepsy with auditory features. Identifiers: Orphanet 101046, MedGen C1838062, MONDO:0010898.
Inborn genetic diseases. Identifiers: MedGen C0950123, MeSH D030342.

Allele frequency attached by ClinVar (database versions not stated): gnomAD exomes below 0.00001 and 0.00001; ExAC 0.00001; gnomAD 0.00001; TOPMed 0.00001.
gnomAD v4.1: 7 of 1,609,852 alleles (0.00043%); highest among the groups gnomAD compares: Admixed American, 0.0017%; no homozygotes.

Submissions (2):

Labcorp Genetics (formerly Invitae), Labcorp
Classification: Uncertain significance for Autosomal dominant epilepsy with auditory features. Last evaluated: 2024-07-31. Review status: criteria provided, single submitter. Criteria: Invitae Variant Classification Sherloc (09022015). Collection method: clinical testing. Allele origin: germline.
Comment: This sequence change replaces alanine, which is neutral and non-polar, with valine, which is neutral and non-polar, at codon 227 of the LGI1 protein (p.Ala227Val). This variant is present in population databases (rs750984349, gnomAD 0.003%). This variant has not been reported in the literature in individuals affected with LGI1-related conditions. ClinVar contains an entry for this variant (Variation ID: 1524274). Advanced modeling of protein sequence and biophysical properties (such as structural, functional, and spatial information, amino acid conservation, physicochemical variation, residue mobility, and thermodynamic stability) performed at Invitae indicates that this missense variant is not expected to disrupt LGI1 protein function with a negative predictive value of 80%. In summary, the available evidence is currently insufficient to determine the role of this variant in disease. Therefore, it has been classified as a Variant of Uncertain Significance.

Ambry Genetics
Classification: Uncertain significance for Inborn genetic diseases. Last evaluated: 2022-05-04. Review status: criteria provided, single submitter. Criteria: Ambry Variant Classification Scheme 2023. Collection method: clinical testing. Allele origin: germline.

NM_005097.4(LGI1):c.680C>T (p.Ala227Val)

Gene: LGI1 (leucine rich glioma inactivated 1; plus strand). Cytogenetic location: 10q23.33.
Variant type: single nucleotide variant.
Coding change: c.680C>T on transcript NM_005097.4 (MANE Select); coding-DNA position 680, C replaced by T.
Protein change: p.Ala227Val; replaces alanine 227 with valine.
Molecular consequence: missense variant. On other transcripts: non-coding transcript variant (1).
Genome position (GRCh38, 1-based): chr10:93,793,192, C>T. VCF-style: chr10-93793192-C-T. GRCh37 (hg19) VCF-style: chr10-95552949-C-T.
Other names: c.680C>T, p.Ala227Val (NM_001308275.2); c.536C>T, p.Ala179Val (NM_001308276.2); c.680C>T (NM_005097.2); short protein forms A179V, A227V.
Identifiers: ClinVar variation 1524274 (VCV001524274.7), dbSNP rs750984349, ClinGen allele CA5611169.